The following is an entry in ClinVar:

ClinVar aggregate classification (germline): Benign/Likely benign. Review status: criteria provided, multiple submitters, no conflicts (2 of 4 stars). 3 submissions from 3 submitters: Benign (1); Likely benign (1). 1 of the submissions does not count toward it. Last evaluated 2023-08-01.

Conditions:
CTNNA2-related disorder. Also called: CTNNA2-related condition.

Allele frequency attached by ClinVar (database versions not stated): gnomAD exomes 0.00028 and 0.00062; ExAC 0.00071; 1000 Genomes Project 30x 0.00125; ESP Exome Variant Server 0.00158; 1000 Genomes Project 0.00160; gnomAD 0.00169 and 0.00180; TOPMed 0.00193.
gnomAD v4.1: 696 of 1,585,690 alleles (0.044%); highest among the groups gnomAD compares: African/African-American, 0.53%; 4 homozygotes.

Submissions (3):

CeGaT Center for Human Genetics Tuebingen
Classification: Likely benign. Last evaluated: 2023-08-01. Review status: criteria provided, single submitter. Criteria: CeGaT Center For Human Genetics Tuebingen Variant Classification Criteria Version 2. Collection method: clinical testing. Allele origin: germline. Affected: yes. Observed: 2 variant alleles.
Comment: CTNNA2: BP4, BP7

Labcorp Genetics (formerly Invitae), Labcorp
Classification: Benign. Last evaluated: 2018-06-01. Review status: criteria provided, single submitter. Criteria: Invitae Variant Classification Sherloc (09022015). Collection method: clinical testing. Allele origin: germline.

PreventionGenetics, part of Exact Sciences
Classification: Likely benign for CTNNA2-related condition. Last evaluated: 2019-06-04. Review status: no assertion criteria provided. Collection method: clinical testing. Allele origin: germline. Not counted in ClinVar's aggregate classification.
Comment: This variant is classified as likely benign based on ACMG/AMP sequence variant interpretation guidelines (Richards et al. 2015 PMID: 25741868, with internal and published modifications).

NM_001282597.3(CTNNA2):c.1599G>A (p.Val533=)

Gene: CTNNA2 (catenin alpha 2; plus strand). Cytogenetic location: 2p12.
Variant type: single nucleotide variant.
Coding change: c.1599G>A on transcript NM_001282597.3 (MANE Select); coding-DNA position 1599, G replaced by A.
Protein change: p.Val533=; no amino-acid change (valine 533 retained).
Molecular consequence: synonymous variant.
Genome position (GRCh38, 1-based): chr2:80,555,751, G>A. VCF-style: chr2-80555751-G-A. GRCh37 (hg19) VCF-style: chr2-80782876-G-A.
Other names: c.1599G>A, p.Val533= (NM_001164883.2, NM_004389.4); c.1701G>A, p.Val567= (NM_001282598.2); c.636G>A, p.Val212= (NM_001282599.2); c.495G>A, p.Val165= (NM_001282600.2, NM_001320810.2); c.1599G>A (NM_001282597.2).
Identifiers: ClinVar variation 717143 (VCV000717143.28), dbSNP rs34741453, ClinGen allele CA1735695.
Genomic context (GRCh38, chr2:80,555,751, plus strand): 5'-AGAAAATCACATCTTGGAGGATGTGAACAAGTGTGTGATAGCCCTCCAAGAGGGCGATGT[G>A]GACACTCTGGACCGGACTGCAGGGGCCATCAGGGGCCGGGCAGCTCGAGTCATACACATC-3'
Protein context (NP_001269526.1, residues 523-543): KCVIALQEGD[Val533=]DTLDRTAGAI